The following is an entry in ClinVar:

NM_001267550.2(TTN):c.52448C>T (p.Thr17483Ile)

Genes: TTN (titin; minus strand), TTN-AS1 (TTN antisense RNA 1; plus strand). Cytogenetic location: 2q31.2.
Variant type: single nucleotide variant.
Coding change: c.52448C>T on transcript NM_001267550.2 (MANE Select); coding-DNA position 52448, C replaced by T.
Protein change: p.Thr17483Ile; replaces threonine 17483 with isoleucine.
Molecular consequence: missense variant.
Genome position (GRCh38, 1-based): chr2:178,608,435, G>A on the plus strand (C>T on the coding strand, the complement: TTN is on the minus strand). VCF-style: chr2-178608435-G-A. GRCh37 (hg19) VCF-style: chr2-179473162-G-A.
Other names: c.44744C>T, p.Thr14915Ile (NM_133378.4); c.47525C>T, p.Thr15842Ile (NM_001256850.1); c.25253C>T, p.Thr8418Ile (NM_003319.4); c.25628C>T, p.Thr8543Ile (NM_133432.3); c.25829C>T, p.Thr8610Ile (NM_133437.4); short protein forms T14915I, T17483I, T15842I, T8418I, T8543I, T8610I.
Identifiers: ClinVar variation 505048 (VCV000505048.5), dbSNP rs1553688779, ClinGen allele CA349573787.
Genomic context (GRCh38, chr2:178,608,435, plus strand): 5'-CCCAAAATGGGGCTTCCATTATCTTTTGGTTCATTCCATTTCACTAGCATACTGTTGCTG[G>A]TAACATCTTCCACAATGGGCTTATCTGGTGCATCAGGTGGTCCTGATAAAAAAATAACAT-3'
Protein context (NP_001254479.2, residues 17473-17493): APDKPIVEDV[Thr17483Ile]SNSMLVKWNE

ClinVar aggregate classification (germline): Uncertain significance (1 of 4 stars; one submission).

Submission:

Laboratory for Molecular Medicine, Mass General Brigham Personalized Medicine
Classification: Uncertain significance. Last evaluated: 2016-05-11. Review status: criteria provided, single submitter. Criteria: LMM Criteria. Collection method: clinical testing. Allele origin: germline. Observed: 1 variant allele.
Comment: The p.Thr14915Ile variant in TTN has not been previously reported in individuals with cardiomyopathy or in large population studies. Computational prediction to ols and conservation analysis suggest that the p.Thr14915Ile variant may impact the protein, though this information is not predictive enough to determine patho genicity. In summary, the clinical significance of the p.Thr14915Ile variant is uncertain.